The following is an entry in ClinVar:

NM_001371928.1(AHDC1):c.2200G>A (p.Val734Met)

Gene: AHDC1 (AT-hook DNA binding motif containing 1; minus strand). Cytogenetic location: 1p36.11.
Variant type: single nucleotide variant.
Coding change: c.2200G>A on transcript NM_001371928.1 (MANE Select); coding-DNA position 2200, G replaced by A.
Protein change: p.Val734Met; replaces valine 734 with methionine.
Molecular consequence: missense variant.
Genome position (GRCh38, 1-based): chr1:27,549,916, C>T on the plus strand (G>A on the coding strand, the complement: AHDC1 is on the minus strand). VCF-style: chr1-27549916-C-T. GRCh37 (hg19) VCF-style: chr1-27876427-C-T.
Other names: c.2200G>A (NM_001029882.2); c.2200G>A, p.Val734Met (NM_001029882.3); short protein forms V734M.
Identifiers: ClinVar variation 1964236 (VCV001964236.6), dbSNP rs2019432014, ClinGen allele CA339232493.
Genomic context (GRCh38, chr1:27,549,916, plus strand): 5'-GCTCTGGGAACAGAGTCCCATTCTTCCGGGACCGTCTCTTGCGCTTTGGCTTCCCAGTCA[C>T]AGCGTCTACCTCCCCCCGGCCCCGTTTGCGTGGGTGCCCCAACTCAGTAAGGCCCGGGCC-3'
Protein context (NP_001358857.1, residues 724-744): RKRGRGEVDA[Val734Met]TGKPKRKRRS

ClinVar aggregate classification (germline): Uncertain significance. Review status: criteria provided, multiple submitters, no conflicts (2 of 4 stars). 2 submissions from 2 submitters: Uncertain significance (2). Last evaluated 2025-12-31.

Conditions:
Inborn genetic diseases. Identifiers: MedGen C0950123, MeSH D030342.

Allele frequency attached by ClinVar (database versions not stated): gnomAD exomes below 0.00001; TOPMed below 0.00001.
gnomAD v4.1: 1 of 1,613,686 alleles (0.000062%); highest among the groups gnomAD compares: Non-Finnish European, 0.000085%; no homozygotes.

Submissions (2):

Ambry Genetics
Classification: Uncertain significance for Inborn genetic diseases. Last evaluated: 2025-12-31. Review status: criteria provided, single submitter. Criteria: Ambry Variant Classification Scheme 2023. Collection method: clinical testing. Allele origin: germline.

Labcorp Genetics (formerly Invitae), Labcorp
Classification: Uncertain significance. Last evaluated: 2022-02-09. Review status: criteria provided, single submitter. Criteria: Invitae Variant Classification Sherloc (09022015). Collection method: clinical testing. Allele origin: germline.
Comment: This sequence change replaces valine, which is neutral and non-polar, with methionine, which is neutral and non-polar, at codon 734 of the AHDC1 protein (p.Val734Met). This variant is not present in population databases (gnomAD no frequency). This variant has not been reported in the literature in individuals affected with AHDC1-related conditions. Algorithms developed to predict the effect of missense changes on protein structure and function output the following: SIFT: "Tolerated"; PolyPhen-2: "Benign"; Align-GVGD: "Class C0". The methionine amino acid residue is found in multiple mammalian species, which suggests that this missense change does not adversely affect protein function. In summary, the available evidence is currently insufficient to determine the role of this variant in disease. Therefore, it has been classified as a Variant of Uncertain Significance.